The following is an entry in ClinVar:

ClinVar aggregate classification (germline): Uncertain significance (1 of 4 stars; one submission).

Submission:

Labcorp Genetics (formerly Invitae), Labcorp
Classification: Uncertain significance. Last evaluated: 2025-08-18. Review status: criteria provided, single submitter. Criteria: Invitae Variant Classification Sherloc (09022015). Collection method: clinical testing. Allele origin: germline.
Comment: This sequence change replaces isoleucine, which is neutral and non-polar, with methionine, which is neutral and non-polar, at codon 1188 of the CENPJ protein (p.Ile1188Met). This variant is not present in population databases (gnomAD no frequency). This variant has not been reported in the literature in individuals affected with CENPJ-related conditions. ClinVar contains an entry for this variant (Variation ID: 1360428). Invitae Evidence Modeling of protein sequence and biophysical properties (such as structural, functional, and spatial information, amino acid conservation, physicochemical variation, residue mobility, and thermodynamic stability) indicates that this missense variant is not expected to disrupt CENPJ protein function with a negative predictive value of 80%. In summary, the available evidence is currently insufficient to determine the role of this variant in disease. Therefore, it has been classified as a Variant of Uncertain Significance.

NM_018451.5(CPAP):c.3564C>G (p.Ile1188Met)

Genes: CPAP (centrosome assembly and centriole elongation protein; minus strand), RNF17 (ring finger protein 17; plus strand). Cytogenetic location: 13q12.12.
Variant type: single nucleotide variant.
Coding change: c.3564C>G on transcript NM_018451.5 (MANE Select); coding-DNA position 3564, C replaced by G.
Protein change: p.Ile1188Met; replaces isoleucine 1188 with methionine.
Molecular consequence: missense variant. On other transcripts: non-coding transcript variant (2).
Genome position (GRCh38, 1-based): chr13:24,884,377, G>C on the plus strand (C>G on the coding strand, the complement: CPAP is on the minus strand). VCF-style: chr13-24884377-G-C. GRCh37 (hg19) VCF-style: chr13-25458515-G-C.
Other names: short protein forms I1188M.
Identifiers: ClinVar variation 1360428 (VCV001360428.8), dbSNP rs747581740, ClinGen allele CA387577040.